The following is an entry in ClinVar:

NM_000069.3(CACNA1S):c.1660A>G (p.Asn554Asp)

Gene: CACNA1S (calcium voltage-gated channel subunit alpha1 S; minus strand). Cytogenetic location: 1q32.1.
Variant type: single nucleotide variant.
Coding change: c.1660A>G on transcript NM_000069.3 (MANE Select); coding-DNA position 1660, A replaced by G.
Protein change: p.Asn554Asp; replaces asparagine 554 with aspartic acid.
Molecular consequence: missense variant.
Genome position (GRCh38, 1-based): chr1:201,077,087, T>C on the plus strand (A>G on the coding strand, the complement: CACNA1S is on the minus strand). VCF-style: chr1-201077087-T-C. GRCh37 (hg19) VCF-style: chr1-201046215-T-C.
Other names: short protein forms N554D.
Identifiers: ClinVar variation 971011 (VCV000971011.13), dbSNP rs1661653168, ClinGen allele CA344120456.

ClinVar aggregate classification (germline): Uncertain significance. Review status: criteria provided, multiple submitters, no conflicts (2 of 4 stars). 7 submissions from 4 submitters: Uncertain significance (7). Last evaluated 2024-07-10.

Conditions:
Hypokalemic periodic paralysis, type 1. Also called: Hypokalemic Periodic Paralysis Type 1 (AD); HypoPP. Identifiers: Orphanet 681, MedGen C3714580, MONDO:0042979, OMIM 170400.
Congenital myopathy 18. Also called: Myopathy, congenital, due to dihydropyridine receptor defect; DIHYDROPYRIDINE RECEPTOR CONGENITAL MYOPATHY; DHPR CONGENITAL MYOPATHY. Identifiers: MedGen C5830283, MONDO:0859514, OMIM 620246.
Malignant hyperthermia, susceptibility to, 5 (MHS5). Also called: CACNA1S-Related Malignant Hyperthermia Susceptibility. Identifiers: Orphanet 423, MedGen C1866077, MONDO:0011163, OMIM 601887.
Thyrotoxic periodic paralysis, susceptibility to, 1 (TTPP1). Identifiers: Orphanet 79102, MedGen C2749982, MONDO:0008570, OMIM 188580.

gnomAD v4.1: 1 of 1,614,106 alleles (0.000062%); no homozygotes.

Submissions (7):

All of Us Research Program, National Institutes of Health
Classification: Uncertain significance for Malignant hyperthermia, susceptibility to, 5. Last evaluated: 2024-07-10. Review status: criteria provided, single submitter. Criteria: ACMG Guidelines, 2015. Collection method: clinical testing. Allele origin: germline. Inheritance: Autosomal dominant inheritance. Observed: 1 variant allele, 1 heterozygote.
Comment: This missense variant replaces asparagine with aspartic acid at codon 554 of the CACNA1S protein. Computational prediction suggests that this variant may have deleterious impact on protein structure and function. To our knowledge, functional studies have not been reported for this variant. This variant has not been reported in individuals affected with CACNA1S-related disorders in the literature. This variant has not been identified in the general population by the Genome Aggregation Database (gnomAD). The available evidence is insufficient to determine the role of this variant in disease conclusively. Therefore, this variant is classified as a Variant of Uncertain Significance.

This study involves interpretation of variants in research participants for the purpose of population health screening. Participant phenotype was not available at the time of variant classification. Additional details can be found in publication PMID: 35346344, PMCID: PMC8962531

Genome-Nilou Lab
Classification: Uncertain significance for Malignant hyperthermia, susceptibility to, 5. Last evaluated: 2023-04-11. Review status: criteria provided, single submitter. Criteria: ACMG Guidelines, 2015. Collection method: clinical testing. Allele origin: germline. Affected: no.

Genome-Nilou Lab
Classification: Uncertain significance for Thyrotoxic periodic paralysis, susceptibility to, 1. Last evaluated: 2023-04-11. Review status: criteria provided, single submitter. Criteria: ACMG Guidelines, 2015. Collection method: clinical testing. Allele origin: germline. Affected: no.

Genome-Nilou Lab
Classification: Uncertain significance for Congenital myopathy 18. Last evaluated: 2023-04-11. Review status: criteria provided, single submitter. Criteria: ACMG Guidelines, 2015. Collection method: clinical testing. Allele origin: germline. Affected: no.

Genome-Nilou Lab
Classification: Uncertain significance for Hypokalemic periodic paralysis, type 1. Last evaluated: 2023-04-11. Review status: criteria provided, single submitter. Criteria: ACMG Guidelines, 2015. Collection method: clinical testing. Allele origin: germline. Affected: no.

Labcorp Genetics (formerly Invitae), Labcorp
Classification: Uncertain significance for Hypokalemic periodic paralysis, type 1; Malignant hyperthermia, susceptibility to, 5. Last evaluated: 2022-03-25. Review status: criteria provided, single submitter. Criteria: Invitae Variant Classification Sherloc (09022015). Collection method: clinical testing. Allele origin: germline.
Comment: This sequence change replaces asparagine, which is neutral and polar, with aspartic acid, which is acidic and polar, at codon 554 of the CACNA1S protein (p.Asn554Asp). This variant is not present in population databases (gnomAD no frequency). This variant has not been reported in the literature in individuals affected with CACNA1S-related conditions. ClinVar contains an entry for this variant (Variation ID: 971011). Algorithms developed to predict the effect of missense changes on protein structure and function are either unavailable or do not agree on the potential impact of this missense change (SIFT: "Deleterious"; PolyPhen-2: "Probably Damaging"; Align-GVGD: "Class C15"). In summary, the available evidence is currently insufficient to determine the role of this variant in disease. Therefore, it has been classified as a Variant of Uncertain Significance.

Fulgent Genetics
Classification: Uncertain significance for Hypokalemic periodic paralysis, type 1; Thyrotoxic periodic paralysis, susceptibility to, 1; Malignant hyperthermia, susceptibility to, 5. Last evaluated: 2022-03-18. Review status: criteria provided, single submitter. Criteria: ACMG Guidelines, 2015. Collection method: clinical testing. Allele origin: unknown.